The following is an entry in ClinVar:

NM_004218.4(RAB11B):c.437A>G (p.Asn146Ser)

Gene: RAB11B (RAB11B, member RAS oncogene family; plus strand). Cytogenetic location: 19p13.2.
Variant type: single nucleotide variant.
Coding change: c.437A>G on transcript NM_004218.4 (MANE Select); coding-DNA position 437, A replaced by G.
Protein change: p.Asn146Ser; replaces asparagine 146 with serine.
Molecular consequence: missense variant.
Genome position (GRCh38, 1-based): chr19:8,402,491, A>G. VCF-style: chr19-8402491-A-G. GRCh37 (hg19) VCF-style: chr19-8467375-A-G.
Other names: short protein forms N146S.
Identifiers: ClinVar variation 2750420 (VCV002750420.3), dbSNP rs2512747932, ClinGen allele CA403715220.

ClinVar aggregate classification (germline): Uncertain significance (1 of 4 stars; one submission).

Submission:

Labcorp Genetics (formerly Invitae), Labcorp
Classification: Uncertain significance. Last evaluated: 2023-08-05. Review status: criteria provided, single submitter. Criteria: Invitae Variant Classification Sherloc (09022015). Collection method: clinical testing. Allele origin: germline.
Comment: An algorithm developed to predict the effect of missense changes on protein structure and function (PolyPhen-2) suggests that this variant is likely to be tolerated. This variant has not been reported in the literature in individuals affected with RAB11B-related conditions. This variant is not present in population databases (gnomAD no frequency). This sequence change replaces asparagine, which is neutral and polar, with serine, which is neutral and polar, at codon 146 of the RAB11B protein (p.Asn146Ser). In summary, the available evidence is currently insufficient to determine the role of this variant in disease. Therefore, it has been classified as a Variant of Uncertain Significance.